The following is an entry in ClinVar:

ClinVar aggregate classification (germline): Uncertain significance (1 of 4 stars; one submission).

Conditions:
Mevalonic aciduria (MEVA). Identifiers: Orphanet 29, MedGen C1959626, MONDO:0012481, OMIM 610377.
Porokeratosis 3, disseminated superficial actinic type (POROK3). Also called: POROKERATOSIS, DISSEMINATED SUPERFICIAL ACTINIC, 1; POROKERATOSIS 3, MULTIPLE TYPES; POROKERATOSIS 3, MIBELLI TYPE. Identifiers: MedGen C1867981, MONDO:0008293, OMIM 175900.
Hyperimmunoglobulin D with periodic fever (HIDS). Also called: Hyperimmunoglobulinemia D; HYPERIMMUNOGLOBULINEMIA D AND PERIODIC FEVER SYNDROME; Hyperimmunoglobulinemia D with periodic fever. Identifiers: Orphanet 343, MedGen C0398691, MONDO:0009849, OMIM 260920.

Submission:

Labcorp Genetics (formerly Invitae), Labcorp
Classification: Uncertain significance for Mevalonic aciduria; Hyperimmunoglobulin D with periodic fever; Porokeratosis 3, disseminated superficial actinic type. Last evaluated: 2022-08-23. Review status: criteria provided, single submitter. Criteria: Invitae Variant Classification Sherloc (09022015). Collection method: clinical testing. Allele origin: germline.
Comment: This sequence change falls in intron 6 of the MVK gene. It does not directly change the encoded amino acid sequence of the MVK protein. It affects a nucleotide within the consensus splice site. This variant is not present in population databases (gnomAD no frequency). This variant has not been reported in the literature in individuals affected with MVK-related conditions. ClinVar contains an entry for this variant (Variation ID: 1519985). Variants that disrupt the consensus splice site are a relatively common cause of aberrant splicing (PMID: 17576681, 9536098). Algorithms developed to predict the effect of sequence changes on RNA splicing suggest that this variant may disrupt the consensus splice site. In summary, the available evidence is currently insufficient to determine the role of this variant in disease. Therefore, it has been classified as a Variant of Uncertain Significance.

Literature cited by the submitters: PubMed 17576681; PubMed 9536098.

NM_000431.4(MVK):c.632-3T>A

Gene: MVK (mevalonate kinase; plus strand). Cytogenetic location: 12q24.11.
Variant type: single nucleotide variant.
Coding change: c.632-3T>A on transcript NM_000431.4 (MANE Select); 3 bases into the intron before coding-DNA position 632, T replaced by A.
Molecular consequence: intron variant.
Genome position (GRCh38, 1-based): chr12:109,586,751, T>A. VCF-style: chr12-109586751-T-A. GRCh37 (hg19) VCF-style: chr12-110024556-T-A.
Other names: c.476-3T>A (NM_001301182.2); c.632-3T>A (NM_001114185.3).
Identifiers: ClinVar variation 1519985 (VCV001519985.4), dbSNP rs2136238080, ClinGen allele CA1139770136.